The following is an entry in ClinVar:

ClinVar aggregate classification (germline): Uncertain significance (1 of 4 stars; one submission).

Submission:

GeneDx
Classification: Uncertain significance. Last evaluated: 2018-04-13. Review status: criteria provided, single submitter. Criteria: GeneDx Variant Classification (06012015). Collection method: clinical testing. Allele origin: germline. Affected: yes.
Comment: The I541M variant in the FGFR2 gene has not been reported previously as a pathogenic variant, nor as a benign variant, to our knowledge. This variant was not observed in approximately 6,500 individuals of European and African American ancestry in the NHLBI Exome Sequencing Project, indicating it is not a common benign variant in these populations. The I541M variant is a conservative amino acid substitution, which is not likely to impact secondary protein structure as these residues share similar properties. This substitution occurs at a position that is conserved across species. In silico analysis is inconsistent in its predictions as to whether or not the variant is damaging to the protein structure/function. Based on currently available evidence, we interpret I541M as a variant of uncertain significance,

NM_000141.5(FGFR2):c.1623T>G (p.Ile541Met)

Gene: FGFR2 (fibroblast growth factor receptor 2; minus strand). Cytogenetic location: 10q26.13.
Variant type: single nucleotide variant.
Coding change: c.1623T>G on transcript NM_000141.5 (MANE Select); coding-DNA position 1623, T replaced by G.
Protein change: p.Ile541Met; replaces isoleucine 541 with methionine.
Molecular consequence: missense variant. On other transcripts: non-coding transcript variant (1).
Genome position (GRCh38, 1-based): chr10:121,498,544, A>C on the plus strand (T>G on the coding strand, the complement: FGFR2 is on the minus strand). VCF-style: chr10-121498544-A-C. GRCh37 (hg19) VCF-style: chr10-123258058-A-C.
Other names: c.1626T>G, p.Ile542Met (NM_001144913.1, NM_022970.4); c.1287T>G, p.Ile429Met (NM_001144914.1); c.1356T>G, p.Ile452Met (NM_001144915.2, NM_023029.3); c.1278T>G, p.Ile426Met (NM_001144916.2); c.1275T>G, p.Ile425Met (NM_001144917.2); c.1272T>G, p.Ile424Met (NM_001144918.2); c.1359T>G, p.Ile453Met (NM_001144919.2); c.939T>G, p.Ile313Met (NM_001320654.2); and 1 more; short protein forms I541M, I542M, I426M, I452M, I453M, I313M, I425M, I424M.
Identifiers: ClinVar variation 393138 (VCV000393138.2), dbSNP rs1057524807, ClinGen allele CA16605830.